The following is an entry in ClinVar:

NM_003072.5(SMARCA4):c.761-18G>A

Gene: SMARCA4 (SWI/SNF related BAF chromatin remodeling complex subunit ATPase 4; plus strand). Cytogenetic location: 19p13.2.
Variant type: single nucleotide variant.
Coding change: c.761-18G>A on transcript NM_003072.5 (MANE Select); 18 bases into the intron before coding-DNA position 761, G replaced by A.
Molecular consequence: intron variant.
Genome position (GRCh38, 1-based): chr19:10,986,887, G>A. VCF-style: chr19-10986887-G-A. GRCh37 (hg19) VCF-style: chr19-11097563-G-A.
Other names: c.761-18G>A (NM_001128844.3, NM_001128849.3, NM_001128847.4 and 6 more transcripts).
Identifiers: ClinVar variation 4740402 (VCV004740402.2).
Genomic context (GRCh38, chr19:10,986,887, plus strand): 5'-CCAGGGCTGCCCACGGGGCTGGGCGCAGGCATAAACCTGGGACGCACTGTTTTCTCTTTT[G>A]TTTCTCCCTACATGTAGGTATGGGAGGGCCCAACATGCCTCCCCCAGGACCCTCGGGCGT-3'

ClinVar aggregate classification (germline): Likely benign. Review status: criteria provided, multiple submitters, no conflicts (2 of 4 stars). 2 submissions from 2 submitters: Likely benign (2). Last evaluated 2026-07-06.

Conditions:
Rhabdoid tumor predisposition syndrome 2 (RTPS2). Identifiers: Orphanet 231108, Orphanet 69077, MedGen C2750074, MONDO:0013224, OMIM 613325.

Submissions (2):

Myriad Genetics, Inc.
Classification: Likely benign for Rhabdoid tumor predisposition syndrome 2. Last evaluated: 2026-07-06. Review status: criteria provided, single submitter. Criteria: Myriad Autosomal Dominant, Autosomal Recessive and X-Linked Classification Criteria (2023). Collection method: clinical testing. Allele origin: unknown.
Comment: This variant is considered likely benign. This variant is intronic and is not expected to impact mRNA splicing.

Labcorp Genetics (formerly Invitae), Labcorp
Classification: Likely benign for Rhabdoid tumor predisposition syndrome 2. Last evaluated: 2025-07-08. Review status: criteria provided, single submitter. Criteria: Invitae Variant Classification Sherloc (09022015). Collection method: clinical testing. Allele origin: germline.